The following is an entry in ClinVar:

ClinVar aggregate classification (germline): Uncertain significance (1 of 4 stars; one submission).

Conditions:
SLC10A2-related disorder. Also called: SLC10A2-related condition.

Submission:

PreventionGenetics, part of Exact Sciences
Classification: Uncertain significance for SLC10A2-related condition. Last evaluated: 2026-09-23. Review status: criteria provided, single submitter. Criteria: ACMG Guidelines, 2015. Collection method: clinical testing. Allele origin: germline.
Comment: The SLC10A2 c.797_814delinsCC variant is predicted to result in a frameshift and premature protein termination (p.Asn266Thrfs*35). To our knowledge, this variant has not been reported in the literature or in a large population database (gnomAD), indicating this variant is rare. Although we suspect that this variant may be pathogenic, at this time, the clinical significance of this variant is uncertain due to the absence of conclusive functional and genetic evidence.

NM_000452.3(SLC10A2):c.797_814delinsCC (p.Asn266fs)

Gene: SLC10A2 (solute carrier family 10 member 2; minus strand). Cytogenetic location: 13q33.1.
Variant type: Indel.
Coding change: c.797_814delinsCC on transcript NM_000452.3 (MANE Select); coding-DNA positions 797 to 814, ACACGCAGCTATGTTCCA replaced by CC.
Protein change: p.Asn266fs; shifts the reading frame from asparagine 266.
Molecular consequence: frameshift variant.
Genome position (GRCh38, 1-based): chr13:103,049,394-103,049,411, TGGAACATAGCTGCGTGT replaced by GG on the plus strand (ACACGCAGCTATGTTCCA replaced by CC on the coding strand, the reverse complement: SLC10A2 is on the minus strand). VCF-style: chr13-103049394-TGGAACATAGCTGCGTGT-GG. GRCh37 (hg19) VCF-style: chr13-103701744-TGGAACATAGCTGCGTGT-GG.
Other names: short protein forms N266fs.
Identifiers: ClinVar variation 4994114 (VCV004994114.1).